The following is an entry in ClinVar:

ClinVar aggregate classification (germline): Uncertain significance (1 of 4 stars; one submission).

Submission:

Clinical Genomics Laboratory, Laboratory for Precision Diagnostics, University of Washington
Classification: Uncertain significance. Last evaluated: 2021-05-14. Review status: criteria provided, single submitter. Criteria: Clinical Cytogenomics Laboratory Policy on CNV Interpretation. Collection method: clinical testing. Allele origin: unknown. Affected: yes.
Comment: The classification of this deletion is uncertain, per ACMGG interpretation standards (see References). It affects protein-coding elements (Section 1, 0 points) but doesnâ€™t overlap any confirmed dosage sensitive genes, though AKT3 is predicted to be haploinsufficient by four different models (pLI 1, LOEUF 0.18, sHet 0.274, %HI 2.70; section 2H, 0.15 points). Two protein-coding genes are affected by the deletion (Section 3, 0 points). A review of public databases (ClinVar, DECIPHER) and the medical literature shows several patients with deletions of the same region as seen in this patient or of AKT3 alone. Inheritance of the deletion was unknown (section 4E, 0.10 points). Inheritance of the deletion was unknown (section 4E, 0.10 points). There are four patients (Ballif et al. patient 10; Lopes et al. patient 2; DECIPHER patients 388840 and 350620) reported with microcephaly who have inherited the deletion from a parent who also has microcephaly (section 4F 0.15 points). Penetrance of microcephaly may be incomplete, however. The father had early hypotonia and needed extra support in elementary school, but had normal intelligence and general good health as an adult. This patient is not described as having microcephaly, but does have autistic behavior, distinctive facial features, myopia, constipation, recurrent infections, and renal cysts. The Database of Genomic Variants (DGV) includes two high-confidence exonic deletions of AKT3: nsv1002245 seen in 1 of 29,084 people and esv3578515 seen in 4 of 873 people. gnomAD contains no exonic deletions of AKT3. Parental testing has not been done in this case (Section 5, 0 points).

Literature cited by the submitters: PubMed 21800092; PubMed 30853971; PubMed 21934713; PubMed 31929334; PubMed 25424989; PubMed 22678713.

GRCh38/hg38 1q43-44(chr1:243433667-243744233)x1

Genes: AKT3 (AKT serine/threonine kinase 3; minus strand), SDCCAG8 (SHH signaling and ciliogenesis regulator SDCCAG8; plus strand), LOC122152352 (Sharpr-MPRA regulatory region 5448; plus strand), LOC122152353 (Sharpr-MPRA regulatory region 1428; plus strand), LOC126806074 (BRD4-independent group 4 enhancer GRCh37_chr1:243617070-243618269; plus strand) and 1 more. Cytogenetic location: 1q43-44.
Variant type: copy number loss.
Change: copy number 1 (one copy instead of two) of chr1:243,433,667-243,744,233 (310.6 kb, GRCh38 coordinates, 1-based), cytogenetic band 1q43-44.
Identifiers: ClinVar variation 1098424 (VCV001098424.2).